The following is an entry in ClinVar:

ClinVar aggregate classification (germline): Pathogenic. Review status: criteria provided, single submitter (1 of 4 stars). 2 submissions from 2 submitters: Pathogenic (1). 1 of the submissions does not count toward it. Last evaluated 2022-05-14.

Conditions:
Retinitis pigmentosa 12 (RP12). Also called: RP WITH OR WITHOUT PPRPE; RP WITH OR WITHOUT PRESERVED PARAARTERIOLE RETINAL PIGMENT EPITHELIUM; RETINITIS PIGMENTOSA WITH OR WITHOUT PARAARTERIOLAR PRESERVATION OF RETINAL PIGMENT EPITHELIUM. Identifiers: Orphanet 791, MedGen C1838647, MONDO:0010818, OMIM 600105.
Leber congenital amaurosis 8 (LCA8). Identifiers: Orphanet 65, MedGen C3151202, MONDO:0013453, OMIM 613835.

Submissions (2):

Labcorp Genetics (formerly Invitae), Labcorp
Classification: Pathogenic for Leber congenital amaurosis 8; Retinitis pigmentosa 12. Last evaluated: 2022-05-14. Review status: criteria provided, single submitter. Criteria: Invitae Variant Classification Sherloc (09022015). Collection method: clinical testing. Allele origin: germline.
Comment: For these reasons, this variant has been classified as Pathogenic. ClinVar contains an entry for this variant (Variation ID: 973935). This premature translational stop signal has been observed in individual(s) with autosomal recessive retinitis pigmentosa (PMID: 23379534). This variant is not present in population databases (gnomAD no frequency). This sequence change creates a premature translational stop signal (p.Trp822*) in the CRB1 gene. It is expected to result in an absent or disrupted protein product. Loss-of-function variants in CRB1 are known to be pathogenic (PMID: 10508521, 22065545, 23379534, 25412400, 26957898, 28041643, 29391521).

Laboratory of Genetics in Ophthalmology, Institut Imagine
Classification: Pathogenic for Leber congenital amaurosis 8. Review status: no assertion criteria provided. Collection method: research. Allele origin: inherited. Affected: yes. Observed: 1 variant allele. Not counted in ClinVar's aggregate classification.

Literature cited by the submitters: PubMed 23379534 (cited by Labcorp Genetics (formerly Invitae), Labcorp); PubMed 10508521 (cited by Labcorp Genetics (formerly Invitae), Labcorp); PubMed 22065545 (cited by Labcorp Genetics (formerly Invitae), Labcorp); PubMed 25412400 (cited by Labcorp Genetics (formerly Invitae), Labcorp); PubMed 26957898 (cited by Labcorp Genetics (formerly Invitae), Labcorp); PubMed 28041643 (cited by Labcorp Genetics (formerly Invitae), Labcorp); PubMed 29391521 (cited by Labcorp Genetics (formerly Invitae), Labcorp); PubMed 17128490 (cited by Laboratory of Genetics in Ophthalmology, Institut Imagine).

NM_201253.3(CRB1):c.2466G>A (p.Trp822Ter)

Gene: CRB1 (crumbs cell polarity complex component 1; plus strand). Cytogenetic location: 1q31.3.
Variant type: single nucleotide variant.
Coding change: c.2466G>A on transcript NM_201253.3 (MANE Select); coding-DNA position 2466, G replaced by A.
Protein change: p.Trp822Ter; replaces tryptophan 822 with a stop codon.
Molecular consequence: nonsense. On other transcripts: non-coding transcript variant (2), intron variant (1).
Genome position (GRCh38, 1-based): chr1:197,427,791, G>A. VCF-style: chr1-197427791-G-A. GRCh37 (hg19) VCF-style: chr1-197396921-G-A.
Other names: c.2130G>A, p.Trp710Ter (NM_001193640.2); c.2259G>A, p.Trp753Ter (NM_001257965.2); c.2128+5835G>A (NM_001257966.2); short protein forms W710*, W753*, W822*.
Identifiers: ClinVar variation 973935 (VCV000973935.6), dbSNP rs1664669402, ClinGen allele CA344037547.
Genomic context (GRCh38, chr1:197,427,791, plus strand): 5'-ATATAAAATTGAACTGTATCAGTCTTCACAAAACCTAGGATTTATTTCTGCTTCTACGTG[G>A]AAAATCGAAAAGGGAGATGTCATCTACATTGGTGGCCTACCTGACAAGCAAGAGACTGAA-3'